The following is an entry in ClinVar:

NM_177438.3(DICER1):c.1720G>A (p.Glu574Lys)

Gene: DICER1 (dicer 1, ribonuclease III; minus strand). Cytogenetic location: 14q32.13.
Variant type: single nucleotide variant.
Coding change: c.1720G>A on transcript NM_177438.3 (MANE Select); coding-DNA position 1720, G replaced by A.
Protein change: p.Glu574Lys; replaces glutamic acid 574 with lysine.
Molecular consequence: missense variant. On other transcripts: non-coding transcript variant (6).
Genome position (GRCh38, 1-based): chr14:95,116,485, C>T on the plus strand (G>A on the coding strand, the complement: DICER1 is on the minus strand). VCF-style: chr14-95116485-C-T. GRCh37 (hg19) VCF-style: chr14-95582822-C-T.
Other names: c.1720G>A, p.Glu574Lys (NM_030621.4, NM_001195573.1, NM_001271282.3 and 13 more transcripts); c.1438G>A, p.Glu480Lys (NM_001395686.1); c.1315G>A, p.Glu439Lys (NM_001395687.1, NM_001395688.1, NM_001395689.1 and 3 more transcripts); c.1153G>A, p.Glu385Lys (NM_001395691.1); c.37G>A, p.Glu13Lys (NM_001395697.1); short protein forms E385K, E480K, E439K, E574K, E13K.
Identifiers: ClinVar variation 1778760 (VCV001778760.2), dbSNP rs2543028309, ClinGen allele CA390884715.
Genomic context (GRCh38, chr14:95,116,485, plus strand): 5'-CCGGCACATGTTAATATGTTGATCTTACCTTTTCAATAGCTTTGTAGGTTTTAAGGTCTT[C>T]TTCAAAACTTTTTATTTTGTCTGTATCCGCTAACATTATATAATTAGAGATGGGTGCCCT-3'
Protein context (NP_803187.1, residues 564-584): ADTDKIKSFE[Glu574Lys]DLKTYKAIEK

ClinVar aggregate classification (germline): Uncertain significance (1 of 4 stars; one submission).

Conditions:
Hereditary cancer-predisposing syndrome. Also called: Neoplastic Syndromes, Hereditary; Tumor predisposition; Hereditary Cancer Syndrome; Hereditary neoplastic syndrome. Identifiers: Orphanet 140162, MedGen C0027672, MeSH D009386, MONDO:0015356.

Submission:

Ambry Genetics
Classification: Uncertain significance for Hereditary cancer-predisposing syndrome. Last evaluated: 2022-01-15. Review status: criteria provided, single submitter. Criteria: Ambry Variant Classification Scheme 2023. Collection method: clinical testing. Allele origin: germline.
Comment: The p.E574K variant (also known as c.1720G>A), located in coding exon 9 of the DICER1 gene, results from a G to A substitution at nucleotide position 1720. The glutamic acid at codon 574 is replaced by lysine, an amino acid with similar properties. This amino acid position is conserved. In addition, this alteration is predicted to be tolerated by in silico analysis. Since supporting evidence is limited at this time, the clinical significance of this alteration remains unclear.